The following is an entry in ClinVar:

ClinVar aggregate classification (germline): Pathogenic (1 of 4 stars; one submission).

Submission:

GeneDx
Classification: Pathogenic. Last evaluated: 2015-07-28. Review status: criteria provided, single submitter. Criteria: GeneDx Variant Classification (06012015). Collection method: clinical testing. Allele origin: germline. Affected: yes.
Comment: This deletion of 2 nucleotides in ATM is denoted c.6435_6436delAA at the cDNA level and p.Leu2147GlnfsX13 (L2147QfsX13) at the protein level. The normal sequence, with the bases that are deleted in braces, is ATGA[AA]GTCT. The deletion causes a frameshift, which changes a Leucine to a Glutamine at codon 2147, and creates a premature stop codon at position 13 of the new reading frame. Although this variant has not, to our knowledge, been reported in the literature, it is predicted to cause loss of normal protein function through either protein truncation or nonsense-mediated mRNA decay. We consider this variant to be pathogenic.

NM_000051.4(ATM):c.6435_6436del (p.Leu2147fs)

Genes: ATM (ATM serine/threonine kinase; plus strand), C11orf65 (chromosome 11 open reading frame 65; minus strand). Cytogenetic location: 11q22.3.
Variant type: Deletion.
Coding change: c.6435_6436del on transcript NM_000051.4 (MANE Select); coding-DNA positions 6435 to 6436, 2 bases deleted (AA; older notation c.6435_6436delAA).
Protein change: p.Leu2147fs; shifts the reading frame from leucine 2147.
Molecular consequence: frameshift variant. On other transcripts: intron variant (2).
Genome position (GRCh38, 1-based): chr11:108,320,041-108,320,042, AA deleted; deleting any 2 consecutive bases within chr11:108,320,040-108,320,042 gives the same sequence; the c. name uses the placement nearest the transcript's 3' end. VCF-style (leftmost placement, unchanged base first): chr11-108320039-GAA-G. GRCh37 (hg19) VCF-style: chr11-108190766-GAA-G.
Other names: c.6435_6436del, p.Leu2147fs (NM_001351834.2); c.641-10970_641-10969del (NM_001330368.2); c.*39-10970_*39-10969del (NM_001351110.2); short protein forms L2147fs.
Identifiers: ClinVar variation 245879 (VCV000245879.4), dbSNP rs786202323, ClinGen allele CA10584358.